The following is an entry in ClinVar:

ClinVar aggregate classification (germline): Uncertain significance (1 of 4 stars; one submission).

Conditions:
Dilated cardiomyopathy 1DD (CMD1DD). Identifiers: Orphanet 154, MedGen C2750995, MONDO:0013168, OMIM 613172.

Submission:

Labcorp Genetics (formerly Invitae), Labcorp
Classification: Uncertain significance for Dilated cardiomyopathy 1DD. Last evaluated: 2024-03-01. Review status: criteria provided, single submitter. Criteria: Invitae Variant Classification Sherloc (09022015). Collection method: clinical testing. Allele origin: germline.
Comment: This sequence change affects a donor splice site in intron 11 of the RBM20 gene. It is expected to disrupt RNA splicing. Variants that disrupt the donor or acceptor splice site typically lead to a loss of protein function (PMID: 16199547), however the current clinical and genetic evidence is not sufficient to establish whether loss-of-function variants in RBM20 cause disease. This variant is not present in population databases (gnomAD no frequency). Disruption of this splice site has been observed in individual(s) with dilated cardiomyopathy (PMID: 31931689). Algorithms developed to predict the effect of sequence changes on RNA splicing suggest that this variant may disrupt the consensus splice site. In summary, the available evidence is currently insufficient to determine the role of this variant in disease. Therefore, it has been classified as a Variant of Uncertain Significance.

Literature cited by the submitters: PubMed 16199547; PubMed 31931689.

NM_001134363.3(RBM20):c.3316+1G>A

Gene: RBM20 (RNA binding motif protein 20; plus strand). Cytogenetic location: 10q25.2.
Variant type: single nucleotide variant.
Coding change: c.3316+1G>A on transcript NM_001134363.3 (MANE Select); the canonical splice donor site of the intron after coding-DNA position 3316, G replaced by A.
Molecular consequence: splice donor variant.
Genome position (GRCh38, 1-based): chr10:110,821,936, G>A. VCF-style: chr10-110821936-G-A. GRCh37 (hg19) VCF-style: chr10-112581694-G-A.
Identifiers: ClinVar variation 2972672 (VCV002972672.3), dbSNP rs2493495847, ClinGen allele CA378382836.
Genomic context (GRCh38, chr10:110,821,936, plus strand): 5'-CCAGCCCCCCCATCGAAACTGACCTCCAAAACCAAGCTTGCCAAGAAGTGTTGACCCCGG[G>A]TAACTATCTCCCCTTTCCTCACGGGTGGTCGGGTTGATTGGACTCCTGCTCACCTGATAA-3'